The following is an entry in ClinVar:

ClinVar aggregate classification (germline): Pathogenic (1 of 4 stars; one submission).

Submission:

Labcorp Genetics (formerly Invitae), Labcorp
Classification: Pathogenic. Last evaluated: 2022-10-27. Review status: criteria provided, single submitter. Criteria: Invitae Variant Classification Sherloc (09022015). Collection method: clinical testing. Allele origin: germline.
Comment: This sequence change creates a premature translational stop signal (p.Gly1268Argfs*40) in the COL4A3 gene. It is expected to result in an absent or disrupted protein product. Loss-of-function variants in COL4A3 are known to be pathogenic (PMID: 8956999, 24854265, 26809805, 27281700). This variant is not present in population databases (gnomAD no frequency). This variant has not been reported in the literature in individuals affected with COL4A3-related conditions. For these reasons, this variant has been classified as Pathogenic.

Literature cited by the submitters: PubMed 8956999; PubMed 24854265; PubMed 26809805; PubMed 27281700.

NM_000091.5(COL4A3):c.3801_3802del (p.Gly1268fs)

Genes: COL4A3 (collagen type IV alpha 3 chain; plus strand), MFF-DT (MFF divergent transcript; minus strand). Cytogenetic location: 2q36.3.
Variant type: Deletion.
Coding change: c.3801_3802del on transcript NM_000091.5 (MANE Select); coding-DNA positions 3801 to 3802, 2 bases deleted (AG; older notation c.3801_3802delAG).
Protein change: p.Gly1268fs; shifts the reading frame from glycine 1268.
Molecular consequence: frameshift variant.
Genome position (GRCh38, 1-based): chr2:227,298,731-227,298,732, AG deleted. VCF-style (leftmost placement, unchanged base first): chr2-227298730-AAG-A. GRCh37 (hg19) VCF-style: chr2-228163446-AAG-A.
Other names: short protein forms G1268fs.
Identifiers: ClinVar variation 2810039 (VCV002810039.3), dbSNP rs2469885706, ClinGen allele CA2739278684.
Genomic context (GRCh38, chr2:227,298,730, plus strand): 5'-TCATGAATTCAGGTGCGCCTGGTCCCCCTGGACCTCCAGGGAGTCATGTAATAGGCATAA[AAG>A]GAGACAAAGGGTCTATGGGCCACCCTGGCCCAAAAGGTCCACCTGGAACTGCAGGAGACA-3'